The following is an entry in ClinVar:

NM_000089.4(COL1A2):c.3135C>T (p.Gly1045=)

Gene: COL1A2 (collagen type I alpha 2 chain; plus strand). Cytogenetic location: 7q21.3.
Variant type: single nucleotide variant.
Coding change: c.3135C>T on transcript NM_000089.4 (MANE Select); coding-DNA position 3135, C replaced by T.
Protein change: p.Gly1045=; no amino-acid change (glycine 1045 retained).
Molecular consequence: synonymous variant.
Genome position (GRCh38, 1-based): chr7:94,427,037, C>T. VCF-style: chr7-94427037-C-T. GRCh37 (hg19) VCF-style: chr7-94056349-C-T.
Other names: p.Gly1045=.
Identifiers: ClinVar variation 254956 (VCV000254956.35), dbSNP rs1800248, ClinGen allele CA4347679.

ClinVar aggregate classification (germline): Benign. Review status: criteria provided, multiple submitters, no conflicts (2 of 4 stars). 13 submissions from 12 submitters: Benign (10). 3 of the submissions do not count toward it. Last evaluated 2026-02-04.

Conditions:
Osteogenesis imperfecta type I (OI1). Also called: OI, TYPE I; OSTEOGENESIS IMPERFECTA TARDA; OSTEOGENESIS IMPERFECTA WITH BLUE SCLERAE; Osteogenesis imperfecta type 1; Lobstein's Disease; Lobstein disease. Identifiers: Orphanet 216796, Orphanet 666, MedGen C0023931, MONDO:0008146, OMIM 166200. Disease mechanism: loss of function.
Ehlers-Danlos syndrome, classic type, 1 (EDSCL1). Also called: Ehlers-Danlos Syndrome, Classic Type, COL5A1-Related; EHLERS-DANLOS SYNDROME, GRAVIS TYPE; EHLERS-DANLOS SYNDROME, SEVERE CLASSIC TYPE; Ehlers-Danlos syndrome, type 1; EDS I. Identifiers: MedGen C0268335, MONDO:0019567, OMIM 130000.
Cardiovascular phenotype. Identifiers: MedGen CN230736.
Ehlers-Danlos syndrome, arthrochalasia type, 2. Also called: EHLERS-DANLOS SYNDROME, TYPE VIIB, AUTOSOMAL DOMINANT. Identifiers: MedGen CN293783, MONDO:0040501, OMIM 617821.
Osteogenesis imperfecta (OI). Identifiers: Orphanet 666, MedGen C0029434, MeSH D010013, MONDO:0019019.

Allele frequency attached by ClinVar (database versions not stated): 1000 Genomes Project 30x 0.09635; 1000 Genomes Project 0.09944; TOPMed 0.09961; ESP Exome Variant Server 0.10134.
gnomAD v4.1: 201,566 of 1,613,190 alleles (12%); highest among the groups gnomAD compares: South Asian, 17%; 13,529 homozygotes.

Submissions (13):

Labcorp Genetics (formerly Invitae), Labcorp
Classification: Benign for Osteogenesis imperfecta type I; Ehlers-Danlos syndrome, classic type, 1. Last evaluated: 2026-02-04. Review status: criteria provided, single submitter. Criteria: Invitae Variant Classification Sherloc (09022015). Collection method: clinical testing. Allele origin: germline.

ARUP Laboratories, Molecular Genetics and Genomics, ARUP Laboratories
Classification: Benign. Last evaluated: 2025-07-29. Review status: criteria provided, single submitter. Criteria: ARUP Molecular Germline Variant Investigation Process 2024. Collection method: clinical testing. Allele origin: germline.

Blueprint Genetics
Classification: Benign. Last evaluated: 2024-11-27. Review status: criteria provided, single submitter. Criteria: ACMG Guidelines, 2015. Collection method: clinical testing. Allele origin: germline.

Mayo Clinic Laboratories, Mayo Clinic
Classification: Benign. Last evaluated: 2019-03-13. Review status: criteria provided, single submitter. Criteria: ACMG Guidelines, 2015. Collection method: clinical testing. Allele origin: germline. Observed: 1,005 variant alleles.

Ambry Genetics
Classification: Benign for Cardiovascular phenotype. Last evaluated: 2018-12-17. Review status: criteria provided, single submitter. Criteria: Ambry Variant Classification Scheme 2023. Collection method: clinical testing. Allele origin: germline.

Illumina Laboratory Services, Illumina
Classification: Benign for Ehlers-Danlos syndrome, arthrochalasia type, 2. Last evaluated: 2018-01-13. Review status: criteria provided, single submitter. Criteria: ICSL Variant Classification Criteria 13 December 2019. Collection method: clinical testing. Allele origin: germline.
Comment: This variant was observed in the ICSL laboratory as part of a predisposition screen in an ostensibly healthy population. It had not been previously curated by ICSL or reported in the Human Gene Mutation Database (HGMD: prior to June 1st, 2018), and was therefore a candidate for classification through an automated scoring system. Utilizing variant allele frequency, disease prevalence and penetrance estimates, and inheritance mode, an automated score was calculated to assess if this variant is too frequent to cause the disease. Based on the score and internal cut-off values, a variant classified as benign is not then subjected to further curation. The score for this variant resulted in a classification of benign for this disease.

Illumina Laboratory Services, Illumina
Classification: Benign for Osteogenesis imperfecta. Last evaluated: 2018-01-13. Review status: criteria provided, single submitter. Criteria: ICSL Variant Classification Criteria 13 December 2019. Collection method: clinical testing. Allele origin: germline.
Comment: the same text as in the submission from Illumina Laboratory Services, Illumina above.

GeneDx
Classification: Benign. Last evaluated: 2016-03-03. Review status: criteria provided, single submitter. Criteria: GeneDx Variant Classification (06012015). Collection method: clinical testing. Allele origin: germline. Affected: yes.
Comment: This variant is considered likely benign or benign based on one or more of the following criteria: it is a conservative change, it occurs at a poorly conserved position in the protein, it is predicted to be benign by multiple in silico algorithms, and/or has population frequency not consistent with disease.

Breakthrough Genomics
Classification: Benign. Review status: criteria provided, single submitter. Criteria: ACMG Guidelines, 2015. Collection method: not provided. Allele origin: germline. Inheritance: Autosomal recessive inheritance. Affected: yes.

PreventionGenetics, part of Exact Sciences
Classification: Benign. Review status: criteria provided, single submitter. Criteria: ACMG Guidelines, 2015. Collection method: clinical testing. Allele origin: germline.

Diagnostic Laboratory, Department of Genetics, University Medical Center Groningen
Classification: Benign. Review status: no assertion criteria provided. Collection method: clinical testing. Allele origin: germline. Affected: yes. Study: VKGL Data-share Consensus. Not counted in ClinVar's aggregate classification.

Genome Diagnostics Laboratory, Amsterdam University Medical Center
Classification: Benign. Review status: no assertion criteria provided. Collection method: clinical testing. Allele origin: germline. Affected: yes. Study: VKGL Data-share Consensus. Not counted in ClinVar's aggregate classification.

Joint Genome Diagnostic Labs from Nijmegen and Maastricht, Radboudumc and MUMC+
Classification: Benign. Review status: no assertion criteria provided. Collection method: clinical testing. Allele origin: germline. Affected: yes. Study: VKGL Data-share Consensus. Not counted in ClinVar's aggregate classification.